The following is an entry in ClinVar:

NM_000303.3(PMM2):c.61C>T (p.Arg21Trp)

Gene: PMM2 (phosphomannomutase 2; plus strand). Cytogenetic location: 16p13.2.
Variant type: single nucleotide variant.
Coding change: c.61C>T on transcript NM_000303.3 (MANE Select); coding-DNA position 61, C replaced by T.
Protein change: p.Arg21Trp; replaces arginine 21 with tryptophan.
Molecular consequence: missense variant.
Genome position (GRCh38, 1-based): chr16:8,797,943, C>T. VCF-style: chr16-8797943-C-T. GRCh37 (hg19) VCF-style: chr16-8891800-C-T.
Other names: short protein forms R21W.
Identifiers: ClinVar variation 193080 (VCV000193080.14), dbSNP rs758340382, ClinGen allele CA238583.
Genomic context (GRCh38, chr16:8,797,943, plus strand): 5'-ATGGCAGCGCCTGGCCCAGCGCTCTGCCTCTTCGACGTGGATGGGACCCTCACCGCCCCG[C>T]GGCAGGTAAGTGGCGGCCGGCGGGCTGCTGGCAGCCGACGCGGAGCCCGTGCTGTTCCCA-3'
Protein context (NP_000294.1, residues 11-31): FDVDGTLTAP[Arg21Trp]QKITKEMDDF

ClinVar aggregate classification (germline): Conflicting classifications of pathogenicity. Review status: criteria provided, conflicting classifications (1 of 4 stars). 7 submissions from 7 submitters: Likely pathogenic (1); Uncertain significance (5). 1 of the submissions does not count toward it. Last evaluated 2026-04-06.

Conditions:
Inborn genetic diseases. Identifiers: MedGen C0950123, MeSH D030342.
PMM2-congenital disorder of glycosylation. Also called: CARBOHYDRATE-DEFICIENT GLYCOPROTEIN SYNDROME, TYPE Ia; CDG Ia; JAEKEN SYNDROME; PMM2-CDG; PHOSPHOMANNOMUTASE 2 DEFICIENCY; Congenital disorder of glycosylation, type Ia. Identifiers: Orphanet 79318, MedGen C0349653, MONDO:0008907, OMIM 212065.

Submissions (7):

Myriad Genetics, Inc.
Classification: Uncertain significance for PMM2-congenital disorder of glycosylation. Last evaluated: 2026-04-06. Review status: criteria provided, single submitter. Criteria: Myriad Autosomal Dominant, Autosomal Recessive and X-Linked Classification Criteria (2023). Collection method: clinical testing. Allele origin: unknown.
Comment: NM_000303.2(PMM2):c.61C>T(R21W) is a missense variant classified as a variant of uncertain significance in the context of congenital disorder of glycosylation, PMM2-related. R21W has been observed in cases with relevant disease (PMID: Brum_2011(No PMID), 28122681). Relevant functional assessments of this variant are not available in the literature. R21W has been observed in referenced population frequency databases. In summary, there is insufficient evidence to classify NM_000303.2(PMM2):c.61C>T(R21W) as pathogenic or benign. Please note: this variant was assessed in the context of healthy population screening.

Natera, Inc.
Classification: Likely pathogenic for Congenital disorder of glycosylation type 1a. Last evaluated: 2025-09-02. Review status: criteria provided, single submitter. Criteria: Natera Variant Classification Schema (03/2026). Collection method: clinical testing. Allele origin: germline.
Comment: The c.61C>T variant in PMM2 is a missense variant predicted to cause substitution of arginine to tryptophan at amino acid 21. This variant is rare in the general population with a frequency below the threshold expected for the associated phenotype(s). This variant has been observed in one or more individuals affected with the associated recessive disease, as either homozygous or compound heterozygous with a second variant (PMID: 28122681). Computational prediction algorithms indicate this variant is likely to affect gene or protein function. Given the available evidence, this variant is classified as Likely Pathogenic.

GeneDx
Classification: Uncertain significance. Last evaluated: 2023-07-02. Review status: criteria provided, single submitter. Criteria: GeneDx Variant Classification Process June 2021. Collection method: clinical testing. Allele origin: germline. Affected: yes.
Comment: Not observed at significant frequency in large population cohorts (gnomAD); In silico analysis supports that this missense variant has a deleterious effect on protein structure/function; This variant is associated with the following publications: (PMID: 23430905, 19862844, 34859900, 28122681, Brum2011[casereport])

Ambry Genetics
Classification: Uncertain significance for Inborn genetic diseases. Last evaluated: 2021-09-28. Review status: criteria provided, single submitter. Criteria: Ambry Variant Classification Scheme 2023. Collection method: clinical testing. Allele origin: germline.
Comment: (Al Teneiji, 2017) Based on insufficient or conflicting evidence, the clinical significance of this alteration remains unclear.

Labcorp Genetics (formerly Invitae), Labcorp
Classification: Uncertain significance for PMM2-congenital disorder of glycosylation. Last evaluated: 2021-08-31. Review status: criteria provided, single submitter. Criteria: Invitae Variant Classification Sherloc (09022015). Collection method: clinical testing. Allele origin: germline.
Comment: This sequence change replaces arginine with tryptophan at codon 21 of the PMM2 protein (p.Arg21Trp). The arginine residue is highly conserved and there is a moderate physicochemical difference between arginine and tryptophan. This variant is present in population databases (rs758340382, ExAC 0.02%). This missense change has been observed in individual(s) with clinical features of PMM2-related conditions (Invitae; https//). ClinVar contains an entry for this variant (Variation ID: 193080). Algorithms developed to predict the effect of missense changes on protein structure and function are either unavailable or do not agree on the potential impact of this missense change (SIFT: "Deleterious"; PolyPhen-2: "Possibly Damaging"; Align-GVGD: "Class C0"). This variant disrupts the p.Arg21 amino acid residue in PMM2. Other variant(s) that disrupt this residue have been observed in individuals with PMM2-related conditions (PMID: 23430905), which suggests that this may be a clinically significant amino acid residue. In summary, the available evidence is currently insufficient to determine the role of this variant in disease. Therefore, it has been classified as a Variant of Uncertain Significance.

Eurofins Ntd Llc (ga)
Classification: Uncertain significance. Last evaluated: 2014-06-10. Review status: criteria provided, single submitter. Criteria: EGL Classification Definitions 2015. Collection method: clinical testing. Allele origin: germline. Observed: 2 variant alleles, 2 heterozygotes.

Counsyl
Classification: Uncertain significance for PMM2-congenital disorder of glycosylation. Last evaluated: 2017-09-25. Review status: no assertion criteria provided. Collection method: clinical testing. Allele origin: unknown. Not counted in ClinVar's aggregate classification.

Literature cited by the submitters: PubMed 28122681 (cited by Natera, Inc. and Ambry Genetics); PubMed 23430905 (cited by Labcorp Genetics (formerly Invitae), Labcorp and Eurofins Ntd Llc (ga)); https// (cited by Labcorp Genetics (formerly Invitae), Labcorp); PubMed 19862844 (cited by Eurofins Ntd Llc (ga)).